The following is an entry in ClinVar:

NM_003060.4(SLC22A5):c.295C>T (p.Pro99Ser)

Gene: SLC22A5 (solute carrier family 22 member 5; plus strand). Cytogenetic location: 5q31.1.
Variant type: single nucleotide variant.
Coding change: c.295C>T on transcript NM_003060.4 (MANE Select); coding-DNA position 295, C replaced by T.
Protein change: p.Pro99Ser; replaces proline 99 with serine.
Molecular consequence: missense variant.
Genome position (GRCh38, 1-based): chr5:132,370,267, C>T. VCF-style: chr5-132370267-C-T. GRCh37 (hg19) VCF-style: chr5-131705959-C-T.
Other names: c.295C>T, p.Pro99Ser (NM_001308122.2); short protein forms P99S.
Identifiers: ClinVar variation 1349464 (VCV001349464.5), dbSNP rs2126765451, ClinGen allele CA360802754.

ClinVar aggregate classification (germline): Uncertain significance (1 of 4 stars; one submission).

Conditions:
Renal carnitine transport defect (CDSP). Also called: Systemic primary carnitine deficiency; Carnitine transporter deficiency; Carnitine Deficiency, Systemic; Systemic primary carnitine deficiency disease; Primary carnitine deficiency; CARNITINE DEFICIENCY, SYSTEMIC, DUE TO DEFECT IN RENAL REABSORPTION OF CARNITINE. Identifiers: Orphanet 158, MedGen C0342788, MONDO:0008919, OMIM 212140.

Submission:

Labcorp Genetics (formerly Invitae), Labcorp
Classification: Uncertain significance for Renal carnitine transport defect. Last evaluated: 2021-09-01. Review status: criteria provided, single submitter. Criteria: Invitae Variant Classification Sherloc (09022015). Collection method: clinical testing. Allele origin: germline.
Comment: This sequence change replaces proline with serine at codon 99 of the SLC22A5 protein (p.Pro99Ser). The proline residue is highly conserved and there is a moderate physicochemical difference between proline and serine. This variant is not present in population databases (ExAC no frequency). This variant has not been reported in the literature in individuals affected with SLC22A5-related conditions. Advanced modeling of protein sequence and biophysical properties (such as structural, functional, and spatial information, amino acid conservation, physicochemical variation, residue mobility, and thermodynamic stability) performed at Invitae indicates that this missense variant is expected to disrupt SLC22A5 protein function. In summary, the available evidence is currently insufficient to determine the role of this variant in disease. Therefore, it has been classified as a Variant of Uncertain Significance.